The following is an entry in ClinVar:

ClinVar aggregate classification (germline): Uncertain significance (1 of 4 stars; one submission).

Allele frequency attached by ClinVar (database versions not stated): TOPMed below 0.00001; gnomAD exomes 0.00001; gnomAD 0.00002.

Submission:

Labcorp Genetics (formerly Invitae), Labcorp
Classification: Uncertain significance. Last evaluated: 2023-10-23. Review status: criteria provided, single submitter. Criteria: Invitae Variant Classification Sherloc (09022015). Collection method: clinical testing. Allele origin: germline.
Comment: This sequence change replaces aspartic acid, which is acidic and polar, with glycine, which is neutral and non-polar, at codon 332 of the TLR7 protein (p.Asp332Gly). This variant is present in population databases (rs202129610, gnomAD 0.01%). This variant has not been reported in the literature in individuals affected with TLR7-related conditions. An algorithm developed to predict the effect of missense changes on protein structure and function (PolyPhen-2) suggests that this variant is likely to be tolerated. Experimental studies are conflicting or provide insufficient evidence to determine the effect of this variant on TLR7 function (PMID: 34413140). In summary, the available evidence is currently insufficient to determine the role of this variant in disease. Therefore, it has been classified as a Variant of Uncertain Significance.

Literature cited by the submitters: PubMed 34413140.

NM_016562.4(TLR7):c.995A>G (p.Asp332Gly)

Gene: TLR7 (toll like receptor 7; plus strand). Cytogenetic location: Xp22.2.
Variant type: single nucleotide variant.
Coding change: c.995A>G on transcript NM_016562.4 (MANE Select); coding-DNA position 995, A replaced by G.
Protein change: p.Asp332Gly; replaces aspartic acid 332 with glycine.
Molecular consequence: missense variant.
Genome position (GRCh38, 1-based): chrX:12,886,503, A>G. VCF-style: chrX-12886503-A-G. GRCh37 (hg19) VCF-style: chrX-12904622-A-G.
Other names: short protein forms D332G.
Identifiers: ClinVar variation 2763017 (VCV002763017.3), dbSNP rs202129610, ClinGen allele CA326797108.
Genomic context (GRCh38, chrX:12,886,503, plus strand): 5'-ACATCAACAAACTCCAGGAACTGGATCTGTCCCAAAACTTCTTGGCCAAAGAAATTGGGG[A>G]TGCTAAATTTCTGCATTTTCTCCCCAGCCTCATCCAATTGGATCTGTCTTTCAATTTTGA-3'
Protein context (NP_057646.1, residues 322-342): SQNFLAKEIG[Asp332Gly]AKFLHFLPSL